The following is an entry in ClinVar:

ClinVar aggregate classification (germline): Uncertain significance (1 of 4 stars; one submission).

Conditions:
Neurofibromatosis, type 1 (NF1). Also called: Peripheral type neurofibromatosis; VON RECKLINGHAUSEN DISEASE; Neurofibromatosis, type I; NEUROFIBROMATOSIS, TYPE I, SOMATIC. Identifiers: Orphanet 636, MedGen C0027831, MONDO:0018975, OMIM 162200. Disease mechanism: loss of function.

Submission:

Labcorp Genetics (formerly Invitae), Labcorp
Classification: Uncertain significance for Neurofibromatosis, type 1. Last evaluated: 2024-04-29. Review status: criteria provided, single submitter. Criteria: Invitae Variant Classification Sherloc (09022015). Collection method: clinical testing. Allele origin: germline.
Comment: This sequence change replaces glycine, which is neutral and non-polar, with serine, which is neutral and polar, at codon 1526 of the NF1 protein (p.Gly1526Ser). This variant is not present in population databases (gnomAD no frequency). This variant has not been reported in the literature in individuals affected with NF1-related conditions. Advanced modeling of protein sequence and biophysical properties (such as structural, functional, and spatial information, amino acid conservation, physicochemical variation, residue mobility, and thermodynamic stability) performed at Invitae indicates that this missense variant is expected to disrupt NF1 protein function with a positive predictive value of 95%. In summary, the available evidence is currently insufficient to determine the role of this variant in disease. Therefore, it has been classified as a Variant of Uncertain Significance.

NM_001042492.3(NF1):c.4639G>A (p.Gly1547Ser)

Gene: NF1 (neurofibromin 1; plus strand). Cytogenetic location: 17q11.2.
Variant type: single nucleotide variant.
Coding change: c.4639G>A on transcript NM_001042492.3 (MANE Select); coding-DNA position 4639, G replaced by A.
Protein change: p.Gly1547Ser; replaces glycine 1547 with serine.
Molecular consequence: missense variant.
Genome position (GRCh38, 1-based): chr17:31,261,772, G>A. VCF-style: chr17-31261772-G-A. GRCh37 (hg19) VCF-style: chr17-29588790-G-A.
Other names: c.4576G>A, p.Gly1526Ser (NM_000267.4); short protein forms G1526S, G1547S.
Identifiers: ClinVar variation 3014227 (VCV003014227.3), dbSNP rs2151466340, ClinGen allele CA399000314.